The following is an entry in ClinVar:

NM_019594.4(LRRC8A):c.2191C>T (p.Arg731Trp)

Gene: LRRC8A (leucine rich repeat containing 8 VRAC subunit A; plus strand). Cytogenetic location: 9q34.11.
Variant type: single nucleotide variant.
Coding change: c.2191C>T on transcript NM_019594.4 (MANE Select); coding-DNA position 2191, C replaced by T.
Protein change: p.Arg731Trp; replaces arginine 731 with tryptophan.
Molecular consequence: missense variant.
Genome position (GRCh38, 1-based): chr9:128,916,129, C>T. VCF-style: chr9-128916129-C-T. GRCh37 (hg19) VCF-style: chr9-131678408-C-T.
Other names: c.2191C>T, p.Arg731Trp (NM_001127244.2, NM_001127245.2); short protein forms R731W.
Identifiers: ClinVar variation 2515619 (VCV002515619.5), dbSNP rs1182325605, ClinGen allele CA375091578.
Genomic context (GRCh38, chr9:128,916,129, plus strand): 5'-CTCTCACCCCTGCTTTTTTCCCTCCAGATCGAGACGCTCCCTCCGGAGCTCTTCCAGTGC[C>T]GGAAGCTGCGGGCCCTGCACCTGGGCAACAACGTGCTGCAGTCACTGCCCTCCAGGGTGG-3'
Protein context (NP_062540.2, residues 721-741): ETLPPELFQC[Arg731Trp]KLRALHLGNN

ClinVar aggregate classification (germline): Uncertain significance. Review status: criteria provided, multiple submitters, no conflicts (2 of 4 stars). 2 submissions from 2 submitters: Uncertain significance (2). Last evaluated 2025-05-12.

Allele frequency attached by ClinVar (database versions not stated): gnomAD 0.00001; gnomAD exomes 0.00002.
gnomAD v4.1: 26 of 1,611,936 alleles (0.0016%); highest among the groups gnomAD compares: Non-Finnish European, 0.0019%; no homozygotes.

Submissions (2):

Labcorp Genetics (formerly Invitae), Labcorp
Classification: Uncertain significance. Last evaluated: 2025-05-12. Review status: criteria provided, single submitter. Criteria: Invitae Variant Classification Sherloc (09022015). Collection method: clinical testing. Allele origin: germline.
Comment: This sequence change replaces arginine, which is basic and polar, with tryptophan, which is neutral and slightly polar, at codon 731 of the LRRC8A protein (p.Arg731Trp). This variant is present in population databases (no rsID available, gnomAD 0.003%). This variant has not been reported in the literature in individuals affected with LRRC8A-related conditions. ClinVar contains an entry for this variant (Variation ID: 2515619). An algorithm developed to predict the effect of missense changes on protein structure and function (PolyPhen-2) suggests that this variant is likely to be disruptive. In summary, the available evidence is currently insufficient to determine the role of this variant in disease. Therefore, it has been classified as a Variant of Uncertain Significance.

Ambry Genetics
Classification: Uncertain significance. Last evaluated: 2023-04-19. Review status: criteria provided, single submitter. Criteria: Ambry Variant Classification Scheme 2023. Collection method: clinical testing. Allele origin: germline.